The following is an entry in ClinVar:

ClinVar aggregate classification (germline): Benign. Review status: reviewed by expert panel (3 of 4 stars). 2 submissions from 2 submitters: Benign (1). 1 of the submissions does not count toward it. Last evaluated 2015-01-12.

Conditions:
Breast-ovarian cancer, familial, susceptibility to, 2 (BROVCA2). Also called: BRCA2 Hereditary Breast and Ovarian Cancer. Identifiers: Orphanet 145, MedGen C2675520, MONDO:0012933, OMIM 612555. Disease mechanism: loss of function.

Allele frequency attached by ClinVar (database versions not stated): gnomAD exomes 0.00119; 1000 Genomes Project 0.01198; gnomAD 0.01225 and 0.01329; 1000 Genomes Project 30x 0.01234; TOPMed 0.01304.
gnomAD v4.1: 3,013 of 1,044,006 alleles (0.29%); highest among the groups gnomAD compares: African/African-American, 4.2%; 56 homozygotes.

Submissions (2):

Evidence-based Network for the Interpretation of Germline Mutant Alleles (ENIGMA)
Classification: Benign for Breast-ovarian cancer, familial 2. Last evaluated: 2015-01-12. Review status: reviewed by expert panel. Criteria: ENIGMA BRCA1/2 Classification Criteria (2015). Collection method: curation. Allele origin: germline.
Comment: Class 1 not pathogenic based on frequency >1% in an outbred sampleset. Frequency 0.03659 (African), derived from 1000 genomes (2012-04-30).

GeneDx
Classification: Likely benign. Last evaluated: 2018-06-23. Review status: criteria provided, single submitter. Criteria: GeneDx Variant Classification Process June 2021. Collection method: clinical testing. Allele origin: germline. Affected: yes. Not counted in ClinVar's aggregate classification.

NM_000059.4(BRCA2):c.7617+148G>A

Gene: BRCA2 (BRCA2 DNA repair associated; plus strand). Cytogenetic location: 13q13.1.
Variant type: single nucleotide variant.
Coding change: c.7617+148G>A on transcript NM_000059.4 (MANE Select); 148 bases into the intron after coding-DNA position 7617, G replaced by A.
Molecular consequence: intron variant.
Genome position (GRCh38, 1-based): chr13:32,356,757, G>A. VCF-style: chr13-32356757-G-A. GRCh37 (hg19) VCF-style: chr13-32930894-G-A.
Other names: IVS 15+148G>A.
Identifiers: ClinVar variation 209757 (VCV000209757.4), dbSNP rs11571708, ClinGen allele CA276725.